The following is an entry in ClinVar:

ClinVar aggregate classification (germline): Conflicting classifications of pathogenicity. Review status: criteria provided, conflicting classifications (1 of 4 stars). 2 submissions from 2 submitters: Uncertain significance (1); Likely benign (1). Last evaluated 2026-08-17.

Conditions:
RASopathy. Also called: rasopathies; Noonan spectrum disorder. Identifiers: Orphanet 536391, MedGen C5555857, MONDO:0021060.
Cardiovascular phenotype. Identifiers: MedGen CN230736.

Submissions (2):

Ambry Genetics
Classification: Likely benign for Cardiovascular phenotype. Last evaluated: 2026-08-17. Review status: criteria provided, single submitter. Criteria: Ambry Variant Classification Scheme 2023. Collection method: clinical testing. Allele origin: germline.

Labcorp Genetics (formerly Invitae), Labcorp
Classification: Uncertain significance for RASopathy. Last evaluated: 2025-12-21. Review status: criteria provided, single submitter. Criteria: Invitae Variant Classification Sherloc (09022015). Collection method: clinical testing. Allele origin: germline.
Comment: This sequence change replaces alanine, which is neutral and non-polar, with threonine, which is neutral and polar, at codon 556 of the CBL protein (p.Ala556Thr). This variant is not present in population databases (gnomAD no frequency). This variant has not been reported in the literature in individuals affected with CBL-related conditions. Invitae Evidence Modeling of protein sequence and biophysical properties (such as structural, functional, and spatial information, amino acid conservation, physicochemical variation, residue mobility, and thermodynamic stability) indicates that this missense variant is not expected to disrupt CBL protein function with a negative predictive value of 95%. In summary, the available evidence is currently insufficient to determine the role of this variant in disease. Therefore, it has been classified as a Variant of Uncertain Significance.

NM_005188.4(CBL):c.1666G>A (p.Ala556Thr)

Gene: CBL (Cbl proto-oncogene; plus strand). Cytogenetic location: 11q23.3.
Variant type: single nucleotide variant.
Coding change: c.1666G>A on transcript NM_005188.4 (MANE Select); coding-DNA position 1666, G replaced by A.
Protein change: p.Ala556Thr; replaces alanine 556 with threonine.
Molecular consequence: missense variant.
Genome position (GRCh38, 1-based): chr11:119,285,291, G>A. VCF-style: chr11-119285291-G-A. GRCh37 (hg19) VCF-style: chr11-119156001-G-A.
Other names: c.1666G>A (NM_005188.2); short protein forms A556T.
Identifiers: ClinVar variation 4738605 (VCV004738605.2).
Genomic context (GRCh38, chr11:119,285,291, plus strand): 5'-CCTCCCACACTTCGAGATCTTCCACCACCACCGCCTCCAGACCGGCCATATTCTGTTGGA[G>A]CAGAATCCCGACCTCAAAGACGCCCCTTGCCTTGTACACCAGGCGACTGTCCCTCCAGAG-3'
Protein context (NP_005179.2, residues 546-566): PPPDRPYSVG[Ala556Thr]ESRPQRRPLP